The following is an entry in ClinVar:

NM_015338.6(ASXL1):c.3598C>T (p.Pro1200Ser)

Gene: ASXL1 (ASXL transcriptional regulator 1; plus strand). Cytogenetic location: 20q11.21.
Variant type: single nucleotide variant.
Coding change: c.3598C>T on transcript NM_015338.6 (MANE Select); coding-DNA position 3598, C replaced by T.
Protein change: p.Pro1200Ser; replaces proline 1200 with serine.
Molecular consequence: missense variant.
Genome position (GRCh38, 1-based): chr20:32,436,310, C>T. VCF-style: chr20-32436310-C-T. GRCh37 (hg19) VCF-style: chr20-31024113-C-T.
Other names: c.3415C>T, p.Pro1139Ser (NM_001363734.1); short protein forms P1139S, P1200S.
Identifiers: ClinVar variation 3792748 (VCV003792748.1).
Genomic context (GRCh38, chr20:32,436,310, plus strand): 5'-GATAGCTGTGAAACAGGCACTGGTCTTGCCAGGATTGAGGCCACCCAGGCTCCTGGAGCA[C>T]CCCAAAAGAATTGCAAGGCAGTCCCAAGTTTTGACTCCCTCCATCCAGTGACAAATCCCA-3'
Protein context (NP_056153.2, residues 1190-1210): RIEATQAPGA[Pro1200Ser]QKNCKAVPSF

ClinVar aggregate classification (germline): Uncertain significance (1 of 4 stars; one submission).

Conditions:
Inborn genetic diseases. Identifiers: MedGen C0950123, MeSH D030342.

gnomAD v4.1: 13 of 1,614,086 alleles (0.00081%); highest among the groups gnomAD compares: Non-Finnish European, 0.0011%; no homozygotes.

Submission:

Ambry Genetics
Classification: Uncertain significance for Inborn genetic diseases. Last evaluated: 2025-01-25. Review status: criteria provided, single submitter. Criteria: Ambry Variant Classification Scheme 2023. Collection method: clinical testing. Allele origin: germline.
Comment: The p.P1200S variant (also known as c.3598C>T), located in coding exon 13 of the ASXL1 gene, results from a C to T substitution at nucleotide position 3598. The proline at codon 1200 is replaced by serine, an amino acid with similar properties. This amino acid position is conserved. In addition, this alteration is predicted to be tolerated by in silico analysis. Based on the available evidence, the clinical significance of this variant remains unclear.